The following is an entry in ClinVar:

NM_005228.5(EGFR):c.739G>A (p.Asp247Asn)

Gene: EGFR (epidermal growth factor receptor; plus strand). Cytogenetic location: 7p11.2.
Variant type: single nucleotide variant.
Coding change: c.739G>A on transcript NM_005228.5 (MANE Select); coding-DNA position 739, G replaced by A.
Protein change: p.Asp247Asn; replaces aspartic acid 247 with asparagine.
Molecular consequence: missense variant. On other transcripts: intron variant (1).
Genome position (GRCh38, 1-based): chr7:55,152,656, G>A. VCF-style: chr7-55152656-G-A. GRCh37 (hg19) VCF-style: chr7-55220349-G-A.
Other names: p.Asp247Asn; c.604G>A, p.Asp202Asn (NM_001346897.2, NM_001346899.2); c.739G>A, p.Asp247Asn (NM_001346898.2, NM_201282.2, NM_201283.2 and 1 more transcripts); c.580G>A, p.Asp194Asn (NM_001346900.2); c.89-3174G>A (NM_001346941.2); short protein forms D202N, D194N, D247N.
Identifiers: ClinVar variation 963439 (VCV000963439.9), dbSNP rs780001754, ClinGen allele CA4265328.
Genomic context (GRCh38, chr7:55,152,656, plus strand): 5'-TCCCCCAGTGACTGCTGCCACAACCAGTGTGCTGCAGGCTGCACAGGCCCCCGGGAGAGC[G>A]ACTGCCTGGTAAGATGCCCCTCCAGCAGCCTCCCTGGAGCAGGCTGGGGCTGCACCCGCC-3'
Protein context (NP_005219.2, residues 237-257): AAGCTGPRES[Asp247Asn]CLVCRKFRDE

ClinVar aggregate classification (germline): Conflicting classifications of pathogenicity. Review status: criteria provided, conflicting classifications (1 of 4 stars). 4 submissions from 4 submitters: Uncertain significance (3); Likely benign (1). Last evaluated 2026-01-18.

Conditions:
Hereditary cancer-predisposing syndrome. Also called: Tumor predisposition; Hereditary neoplastic syndrome; Hereditary Cancer Syndrome; Neoplastic Syndromes, Hereditary. Identifiers: Orphanet 140162, MedGen C0027672, MeSH D009386, MONDO:0015356.
Hereditary cancer. Identifiers: MedGen C1333600.
EGFR-related lung cancer (EGFR). Identifiers: MedGen CN130014.

Allele frequency attached by ClinVar (database versions not stated): TOPMed 0.00002; gnomAD 0.00003 and 0.00004.
gnomAD v4.1: 33 of 1,613,294 alleles (0.002%); highest among the groups gnomAD compares: African/African-American, 0.0053%; no homozygotes.

Submissions (4):

Labcorp Genetics (formerly Invitae), Labcorp
Classification: Uncertain significance for EGFR-related lung cancer. Last evaluated: 2026-01-18. Review status: criteria provided, single submitter. Criteria: Invitae Variant Classification Sherloc (09022015). Collection method: clinical testing. Allele origin: germline.
Comment: This sequence change replaces aspartic acid, which is acidic and polar, with asparagine, which is neutral and polar, at codon 247 of the EGFR protein (p.Asp247Asn). This variant is present in population databases (rs780001754, gnomAD 0.005%). This variant has not been reported in the literature in individuals affected with EGFR-related conditions. ClinVar contains an entry for this variant (Variation ID: 963439). Invitae Evidence Modeling of protein sequence and biophysical properties (such as structural, functional, and spatial information, amino acid conservation, physicochemical variation, residue mobility, and thermodynamic stability) indicates that this missense variant is not expected to disrupt EGFR protein function with a negative predictive value of 80%. In summary, the available evidence is currently insufficient to determine the role of this variant in disease. Therefore, it has been classified as a Variant of Uncertain Significance.

Mayo Clinic Laboratories, Mayo Clinic
Classification: Uncertain significance. Last evaluated: 2025-07-01. Review status: criteria provided, single submitter. Criteria: ACMG Guidelines, 2015. Collection method: clinical testing. Allele origin: germline. Observed: 1 variant allele.

Ambry Genetics
Classification: Uncertain significance for Hereditary cancer-predisposing syndrome. Last evaluated: 2024-12-17. Review status: criteria provided, single submitter. Criteria: Ambry Variant Classification Scheme 2023. Collection method: clinical testing. Allele origin: germline.
Comment: The p.D247N variant (also known as c.739G>A), located in coding exon 6 of the EGFR gene, results from a G to A substitution at nucleotide position 739. The aspartic acid at codon 247 is replaced by asparagine, an amino acid with highly similar properties. This amino acid position is highly conserved in available vertebrate species. In addition, this alteration is predicted to be tolerated by in silico analysis. Based on the available evidence, the clinical significance of this variant remains unclear.

Mendelics
Classification: Likely benign for Hereditary cancer. Last evaluated: 2024-01-23. Review status: criteria provided, single submitter. Criteria: ACMG Guidelines, 2015. Collection method: clinical testing. Allele origin: unknown.

Literature cited by the submitters: PubMed 34308104 (cited by Mayo Clinic Laboratories, Mayo Clinic).